The following is an entry in ClinVar:

ClinVar aggregate classification (germline): Uncertain significance (1 of 4 stars; one submission).

gnomAD v4.1: 1 of 1,609,764 alleles (0.000062%); highest among the groups gnomAD compares: Non-Finnish European, 0.000085%; no homozygotes.

Submission:

Labcorp Genetics (formerly Invitae), Labcorp
Classification: Uncertain significance. Last evaluated: 2022-03-04. Review status: criteria provided, single submitter. Criteria: Invitae Variant Classification Sherloc (09022015). Collection method: clinical testing. Allele origin: germline.
Comment: Algorithms developed to predict the effect of missense changes on protein structure and function (SIFT, PolyPhen-2, Align-GVGD) all suggest that this variant is likely to be tolerated. In summary, the available evidence is currently insufficient to determine the role of this variant in disease. Therefore, it has been classified as a Variant of Uncertain Significance. This variant has not been reported in the literature in individuals affected with C7-related conditions. This sequence change replaces glycine, which is neutral and non-polar, with alanine, which is neutral and non-polar, at codon 498 of the C7 protein (p.Gly498Ala). This variant is not present in population databases (gnomAD no frequency).

NM_000587.4(C7):c.1493G>C (p.Gly498Ala)

Gene: C7 (complement C7; plus strand). Cytogenetic location: 5p13.1.
Variant type: single nucleotide variant.
Coding change: c.1493G>C on transcript NM_000587.4 (MANE Select); coding-DNA position 1493, G replaced by C.
Protein change: p.Gly498Ala; replaces glycine 498 with alanine.
Molecular consequence: missense variant.
Genome position (GRCh38, 1-based): chr5:40,959,452, G>C. VCF-style: chr5-40959452-G-C. GRCh37 (hg19) VCF-style: chr5-40959554-G-C.
Other names: short protein forms G498A.
Identifiers: ClinVar variation 2106853 (VCV002106853.4), dbSNP rs747731914, ClinGen allele CA359587631.